The following is an entry in ClinVar:

NM_001142800.2(EYS):c.-4G>A

Gene: EYS (eyes shut homolog; minus strand). Cytogenetic location: 6q12.
Variant type: single nucleotide variant.
Coding change: c.-4G>A on transcript NM_001142800.2 (MANE Select); 4 bases upstream of the start codon, G replaced by A.
Molecular consequence: 5 prime UTR variant.
Genome position (GRCh38, 1-based): chr6:65,495,414, C>T on the plus strand (G>A on the coding strand, the complement: EYS is on the minus strand). VCF-style: chr6-65495414-C-T. GRCh37 (hg19) VCF-style: chr6-66205307-C-T.
Other names: c.-4G>A (NM_001142801.2, NM_001292009.2, NM_198283.2).
Identifiers: ClinVar variation 1416020 (VCV001416020.3), dbSNP rs185441774, ClinGen allele CA3878150.

ClinVar aggregate classification (germline): Uncertain significance (1 of 4 stars; one submission).

Allele frequency attached by ClinVar (database versions not stated): gnomAD exomes 0.00002 and 0.00004; ExAC 0.00003; TOPMed 0.00003; gnomAD 0.00004 and 0.00005; 1000 Genomes Project 30x 0.00016; 1000 Genomes Project 0.00020.
gnomAD v4.1: 62 of 1,607,964 alleles (0.0039%); highest among the groups gnomAD compares: African/African-American, 0.0067%; no homozygotes.

Submission:

Labcorp Genetics (formerly Invitae), Labcorp
Classification: Uncertain significance. Last evaluated: 2022-10-13. Review status: criteria provided, single submitter. Criteria: Invitae Variant Classification Sherloc (09022015). Collection method: clinical testing. Allele origin: germline.
Comment: This variant occurs in a non-coding region of the EYS gene. It does not change the encoded amino acid sequence of the EYS protein. This variant is present in population databases (rs185441774, gnomAD 0.005%). This variant has not been reported in the literature in individuals affected with EYS-related conditions. ClinVar contains an entry for this variant (Variation ID: 1416020). In summary, the available evidence is currently insufficient to determine the role of this variant in disease. Therefore, it has been classified as a Variant of Uncertain Significance.